The following is an entry in ClinVar:

NM_014324.6(AMACR):c.803A>T (p.Lys268Met)

Genes: C1QTNF3-AMACR (C1QTNF3-AMACR readthrough (NMD candidate); minus strand), AMACR (alpha-methylacyl-CoA racemase; minus strand). Cytogenetic location: 5p13.2.
Variant type: single nucleotide variant.
Coding change: c.803A>T on transcript NM_014324.6 (MANE Select); coding-DNA position 803, A replaced by T.
Protein change: p.Lys268Met; replaces lysine 268 with methionine.
Molecular consequence: missense variant. On other transcripts: non-coding transcript variant (1), 3 prime UTR variant (1).
Genome position (GRCh38, 1-based): chr5:33,989,439, T>A on the plus strand (A>T on the coding strand, the complement: AMACR is on the minus strand). VCF-style: chr5-33989439-T-A. GRCh37 (hg19) VCF-style: chr5-33989544-T-A.
Other names: c.803A>T, p.Lys268Met (NM_001167595.2); c.*45A>T (NM_203382.3); c.803A>T (NM_014324.5); short protein forms K268M.
Identifiers: ClinVar variation 1484003 (VCV001484003.9), dbSNP rs151086469, ClinGen allele CA3226019.

ClinVar aggregate classification (germline): Uncertain significance. Review status: criteria provided, multiple submitters, no conflicts (2 of 4 stars). 2 submissions from 2 submitters: Uncertain significance (2). Last evaluated 2026-03-11.

Conditions:
AMACR-related disorder. Also called: AMACR-related condition; AMACR-Related Disorders.
Alpha-methylacyl-CoA racemase deficiency (AMACRD). Also called: AMACR deficiency. Identifiers: Orphanet 79095, MedGen C3280428, MONDO:0013681, OMIM 614307. Disease mechanism: loss of function.

gnomAD v4.1: 5 of 1,614,190 alleles (0.00031%); highest among the groups gnomAD compares: Admixed American, 0.0083%; no homozygotes.

Submissions (2):

PreventionGenetics, part of Exact Sciences
Classification: Uncertain significance for AMACR-related condition. Last evaluated: 2026-03-11. Review status: criteria provided, single submitter. Criteria: ACMG Guidelines, 2015. Collection method: clinical testing. Allele origin: germline.
Comment: The AMACR c.803A>T variant is predicted to result in the amino acid substitution p.Lys268Met. To our knowledge, this variant has not been reported in the literature. This variant is reported in 0.012% of alleles in individuals of Latino descent in gnomAD. At this time, the clinical significance of this variant is uncertain due to the absence of conclusive functional and genetic evidence.

Labcorp Genetics (formerly Invitae), Labcorp
Classification: Uncertain significance for Alpha-methylacyl-CoA racemase deficiency. Last evaluated: 2024-11-05. Review status: criteria provided, single submitter. Criteria: Invitae Variant Classification Sherloc (09022015). Collection method: clinical testing. Allele origin: germline.
Comment: This sequence change replaces lysine, which is basic and polar, with methionine, which is neutral and non-polar, at codon 268 of the AMACR protein (p.Lys268Met). This variant is present in population databases (rs151086469, gnomAD 0.01%). This variant has not been reported in the literature in individuals affected with AMACR-related conditions. ClinVar contains an entry for this variant (Variation ID: 1484003). Invitae Evidence Modeling of protein sequence and biophysical properties (such as structural, functional, and spatial information, amino acid conservation, physicochemical variation, residue mobility, and thermodynamic stability) has been performed for this missense variant. However, the output from this modeling did not meet the statistical confidence thresholds required to predict the impact of this variant on AMACR protein function. In summary, the available evidence is currently insufficient to determine the role of this variant in disease. Therefore, it has been classified as a Variant of Uncertain Significance.